The following is an entry in ClinVar:

NM_014874.4(MFN2):c.-149-15T>G

Gene: MFN2 (mitofusin 2; plus strand). Cytogenetic location: 1p36.22.
Variant type: single nucleotide variant.
Coding change: c.-149-15T>G on transcript NM_014874.4 (MANE Select); 15 bases into the intron before 149 bases upstream of the start codon, T replaced by G.
Molecular consequence: intron variant.
Genome position (GRCh38, 1-based): chr1:11,981,955, T>G. VCF-style: chr1-11981955-T-G. GRCh37 (hg19) VCF-style: chr1-12042012-T-G.
Other names: NC_000001.10:g.12042012T>G; c.-5+1471T>G (NM_001127660.2).
Identifiers: ClinVar variation 138214 (VCV000138214.6), dbSNP rs114306601, ClinGen allele CA292071.

ClinVar aggregate classification (germline): Benign/Likely benign. Review status: criteria provided, multiple submitters, no conflicts (2 of 4 stars). 3 submissions from 2 submitters: Benign (1); Likely benign (2). Last evaluated 2017-04-27.

Conditions:
Charcot-Marie-Tooth disease type 2. Also called: Charcot-Marie-Tooth type 2. Identifiers: Orphanet 64746, MedGen C0270914, MONDO:0018993.
Hereditary motor and sensory neuropathy with optic atrophy. Also called: PERIPHERAL NEUROPATHY AND OPTIC ATROPHY; CHARCOT-MARIE-TOOTH DISEASE, TYPE 6. Identifiers: Orphanet 90120, MedGen C0393807, MONDO:0019551.

Allele frequency attached by ClinVar (database versions not stated): gnomAD 0.02781 and 0.02600; 1000 Genomes Project 0.02855.

Submissions (4):

Illumina Laboratory Services, Illumina
Classification: Likely benign for Neuropathy, hereditary motor and sensory, type 6A. Last evaluated: 2017-04-27. Review status: criteria provided, single submitter. Criteria: ICSL Variant Classification Criteria 13 December 2019. Collection method: clinical testing. Allele origin: germline.
Comment: This variant was observed as part of a predisposition screen in an ostensibly healthy population. A literature search was performed for the gene, cDNA change, and amino acid change (where applicable). No publications were found based on this search. Allele frequency data from public databases allowed determination this variant is unlikely to cause disease. Therefore, this variant is classified as likely benign.

Illumina Laboratory Services, Illumina
Classification: Likely benign for Charcot-Marie-Tooth disease, type 2. Last evaluated: 2017-04-27. Review status: criteria provided, single submitter. Criteria: ICSL Variant Classification Criteria 13 December 2019. Collection method: clinical testing. Allele origin: germline.
Comment: the same text as in the submission from Illumina Laboratory Services, Illumina above.

GeneDx
Classification: Benign. Last evaluated: 2013-12-11. Review status: criteria provided, single submitter. Criteria: GeneDx Variant Classification (06012015). Collection method: clinical testing. Allele origin: germline. Affected: yes.
Comment: This variant is considered likely benign or benign based on one or more of the following criteria: it is a conservative change, it occurs at a poorly conserved position in the protein, it is predicted to be benign by multiple in silico algorithms, and/or has population frequency not consistent with disease.

Dr. Peter K. Rogan Lab, Western University
No classification provided (evidence only). Condition: Ovarian serous cystadenocarcinoma. Review status: no classification provided. Collection method: in vitro. Allele origin: not applicable. Functional consequence: retained intron. Not counted in ClinVar's aggregate classification.